The following is an entry in ClinVar:

ClinVar aggregate classification (germline): Uncertain significance. Review status: criteria provided, multiple submitters, no conflicts (2 of 4 stars). 2 submissions from 2 submitters: Uncertain significance (2). Last evaluated 2025-10-03.

Conditions:
Cardiomyopathy (CMYO). Also called: Cardiomyopathies. Identifiers: Orphanet 167848, MedGen C0878544, MONDO:0004994, HP:0001638. Inheritance: Various modes of inheritance.

Allele frequency attached by ClinVar (database versions not stated): ExAC 0.00001; gnomAD 0.00001; gnomAD exomes 0.00002 and 0.00001; TOPMed 0.00001.
gnomAD v4.1: 26 of 1,613,264 alleles (0.0016%); highest among the groups gnomAD compares: Middle Eastern, 0.016%; no homozygotes.

Submissions (2):

Mayo Clinic Laboratories, Mayo Clinic
Classification: Uncertain significance. Last evaluated: 2025-10-03. Review status: criteria provided, single submitter. Criteria: ACMG Guidelines, 2015. Collection method: clinical testing. Allele origin: germline. Observed: 1 variant allele.
Comment: PM2_supporting

CHEO Genetics Diagnostic Laboratory, Children's Hospital of Eastern Ontario
Classification: Uncertain significance for Cardiomyopathy. Last evaluated: 2020-12-02. Review status: criteria provided, single submitter. Criteria: ACMG Guidelines, 2015. Collection method: clinical testing. Allele origin: germline.

NM_001267550.2(TTN):c.77452G>A (p.Glu25818Lys)

Genes: TTN (titin; minus strand), TTN-AS1 (TTN antisense RNA 1; plus strand). Cytogenetic location: 2q31.2.
Variant type: single nucleotide variant.
Coding change: c.77452G>A on transcript NM_001267550.2 (MANE Select); coding-DNA position 77452, G replaced by A.
Protein change: p.Glu25818Lys; replaces glutamic acid 25818 with lysine.
Molecular consequence: missense variant.
Genome position (GRCh38, 1-based): chr2:178,568,680, C>T on the plus strand (G>A on the coding strand, the complement: TTN is on the minus strand). VCF-style: chr2-178568680-C-T. GRCh37 (hg19) VCF-style: chr2-179433407-C-T.
Other names: p.Glu24177Lys; c.72529G>A, p.Glu24177Lys (NM_001256850.1); c.50257G>A, p.Glu16753Lys (NM_003319.4); c.69748G>A, p.Glu23250Lys (NM_133378.4); c.50632G>A, p.Glu16878Lys (NM_133432.3); c.50833G>A, p.Glu16945Lys (NM_133437.4); short protein forms E16753K, E16878K, E16945K, E23250K, E24177K, E25818K.
Identifiers: ClinVar variation 1329199 (VCV001329199.3), dbSNP rs748619096, ClinGen allele CA1989772.